The following is an entry in ClinVar:

NM_001130987.2(DYSF):c.2335G>A (p.Gly779Ser)

Gene: DYSF (dysferlin; plus strand). Cytogenetic location: 2p13.2.
Variant type: single nucleotide variant.
Coding change: c.2335G>A on transcript NM_001130987.2 (MANE Select); coding-DNA position 2335, G replaced by A.
Protein change: p.Gly779Ser; replaces glycine 779 with serine.
Molecular consequence: missense variant.
Genome position (GRCh38, 1-based): chr2:71,561,870, G>A. VCF-style: chr2-71561870-G-A. GRCh37 (hg19) VCF-style: chr2-71789000-G-A.
Other names: c.2284G>A, p.Gly762Ser (NM_001130455.2, NM_001130983.2); c.2239G>A, p.Gly747Ser (NM_001130976.2, NM_001130977.2); c.2281G>A, p.Gly761Ser (NM_001130978.2, NM_003494.4); c.2374G>A, p.Gly792Ser (NM_001130979.2); c.2332G>A, p.Gly778Ser (NM_001130980.2, NM_001130981.2); c.2377G>A, p.Gly793Ser (NM_001130982.2); c.2242G>A, p.Gly748Ser (NM_001130984.2, NM_001130986.2); c.2335G>A, p.Gly779Ser (NM_001130985.2); short protein forms G761S, G779S, G748S, G762S, G778S, G747S, G792S, G793S.
Identifiers: ClinVar variation 195749 (VCV000195749.29), dbSNP rs138654170, ClinGen allele CA242326.
Genomic context (GRCh38, chr2:71,561,870, plus strand): 5'-TACCAGCTGCGCACCCATCACCTGAGCCAAATCACTGAGGCTGCCCTGGCCCTGAAGCTC[G>A]GCCACAGTGAGCTCCCTGCAGCTCTGGAGCAGGCGGAGGACTGGCTCCTGCGTCTGCGTG-3'
Protein context (NP_001124459.1, residues 769-789): ITEAALALKL[Gly779Ser]HSELPAALEQ

ClinVar aggregate classification (germline): Conflicting classifications of pathogenicity. Review status: criteria provided, conflicting classifications (1 of 4 stars). 8 submissions from 8 submitters: Uncertain significance (5); Likely benign (2). 1 of the submissions does not count toward it. Last evaluated 2026-01-19.

Conditions:
Distal myopathy with anterior tibial onset. Identifiers: Orphanet 178400, MedGen C1847532, MONDO:0011721, OMIM 606768.
Miyoshi muscular dystrophy 1 (MMD1). Identifiers: Orphanet 45448, MedGen C4551973, MONDO:0024545, OMIM 254130.
Autosomal recessive limb-girdle muscular dystrophy type 2B (LGMDR2). Also called: MUSCULAR DYSTROPHY, LIMB-GIRDLE, AUTOSOMAL RECESSIVE 2; Limb-girdle muscular dystrophy, type 2B; Limb-Girdle Muscular Dystrophy Type 2B (LGMD2B); MUSCULAR DYSTROPHY, LIMB-GIRDLE, TYPE 3. Identifiers: Orphanet 268, MedGen C1850889, MONDO:0009676, OMIM 253601.
Neuromuscular disease caused by qualitative or quantitative defects of dysferlin. Also called: Dysferlinopathy; Qualitative or quantitative defects of dysferlin. Identifiers: Orphanet 207073, MedGen C2931687, MONDO:0016145.

Allele frequency attached by ClinVar (database versions not stated): gnomAD exomes 0.00029; ExAC 0.00035; ESP Exome Variant Server 0.00077; gnomAD 0.00080 and 0.00082; TOPMed 0.00094; 1000 Genomes Project 0.00100; 1000 Genomes Project 30x 0.00109.
gnomAD v4.1: 382 of 1,614,056 alleles (0.024%); highest among the groups gnomAD compares: African/African-American, 0.27%; no homozygotes.

Submissions (8):

Labcorp Genetics (formerly Invitae), Labcorp
Classification: Likely benign for Neuromuscular disease caused by qualitative or quantitative defects of dysferlin. Last evaluated: 2026-01-19. Review status: criteria provided, single submitter. Criteria: Invitae Variant Classification Sherloc (09022015). Collection method: clinical testing. Allele origin: germline.

Blueprint Genetics
Classification: Uncertain significance. Last evaluated: 2024-10-02. Review status: criteria provided, single submitter. Criteria: ACMG Guidelines, 2015. Collection method: clinical testing. Allele origin: germline.

Mayo Clinic Laboratories, Mayo Clinic
Classification: Uncertain significance. Last evaluated: 2019-12-30. Review status: criteria provided, single submitter. Criteria: ACMG Guidelines, 2015. Collection method: clinical testing. Allele origin: germline. Observed: 1 variant allele.

GeneDx
Classification: Likely benign. Last evaluated: 2019-12-05. Review status: criteria provided, single submitter. Criteria: GeneDx Variant Classification Process June 2021. Collection method: clinical testing. Allele origin: germline. Affected: yes.
Comment: This variant is associated with the following publications: (PMID: 30564623)

Fulgent Genetics
Classification: Uncertain significance for Autosomal recessive limb-girdle muscular dystrophy type 2B; Miyoshi muscular dystrophy 1; Distal myopathy with anterior tibial onset. Last evaluated: 2018-10-31. Review status: criteria provided, single submitter. Criteria: ACMG Guidelines, 2015. Collection method: clinical testing. Allele origin: unknown.

Illumina Laboratory Services, Illumina
Classification: Uncertain significance for Qualitative or quantitative defects of dysferlin. Last evaluated: 2018-03-23. Review status: criteria provided, single submitter. Criteria: ICSL Variant Classification Criteria 13 December 2019. Collection method: clinical testing. Allele origin: germline.

Eurofins Ntd Llc (ga)
Classification: Uncertain significance. Last evaluated: 2015-12-30. Review status: criteria provided, single submitter. Criteria: EGL Classification Definitions 2015. Collection method: clinical testing. Allele origin: germline. Observed: 1 variant allele, 1 heterozygote.

Natera, Inc.
Classification: Likely benign for Limb-girdle muscular dystrophy type 2B. Last evaluated: 2020-01-03. Review status: no assertion criteria provided. Collection method: clinical testing. Allele origin: germline. Not counted in ClinVar's aggregate classification.